The following is an entry in ClinVar:

ClinVar aggregate classification (germline): Conflicting classifications of pathogenicity. Review status: criteria provided, conflicting classifications (1 of 4 stars). 4 submissions from 4 submitters: Uncertain significance (2); Likely benign (2). Last evaluated 2026-07-20.

Conditions:
VIPAS39-related disorder. Also called: VIPAS39-related condition.
Arthrogryposis, renal dysfunction, and cholestasis 2 (ARCS2). Identifiers: Orphanet 2697, MedGen C3150672, MONDO:0013255, OMIM 613404.

Allele frequency attached by ClinVar (database versions not stated): gnomAD 0.00021 and 0.00023; gnomAD exomes 0.00021; ESP Exome Variant Server 0.00023; TOPMed 0.00023; ExAC 0.00026.
gnomAD v4.1: 522 of 1,613,898 alleles (0.032%); highest among the groups gnomAD compares: Non-Finnish European, 0.041%; no homozygotes.

Submissions (5):

PreventionGenetics, part of Exact Sciences
Classification: Uncertain significance for VIPAS39-related condition. Last evaluated: 2026-07-20. Review status: criteria provided, single submitter. Criteria: ACMG Guidelines, 2015. Collection method: clinical testing. Allele origin: germline.
Comment: The VIPAS39 c.171C>G variant is not predicted to result in an amino acid change (p.=). This variant is predicted to alter splicing based on available splicing prediction programs (SpliceAI, Jaganathan et al. 2019. PubMed ID: 30661751). However, such computer prediction programs are imperfect. To our knowledge, this variant has not been reported in the literature. This variant is reported in 0.039% of alleles in individuals of European (Non-Finnish) descent in gnomAD. At this time, the clinical significance of this variant is uncertain due to the absence of conclusive functional and genetic evidence.

Labcorp Genetics (formerly Invitae), Labcorp
Classification: Likely benign. Last evaluated: 2025-08-08. Review status: criteria provided, single submitter. Criteria: Invitae Variant Classification Sherloc (09022015). Collection method: clinical testing. Allele origin: germline.

Fulgent Genetics
Classification: Likely benign for Arthrogryposis, renal dysfunction, and cholestasis 2. Last evaluated: 2024-03-14. Review status: criteria provided, single submitter. Criteria: ACMG Guidelines, 2015. Collection method: clinical testing. Allele origin: germline.

Eurofins Ntd Llc (ga)
Classification: Uncertain significance. Last evaluated: 2018-05-10. Review status: criteria provided, single submitter. Criteria: EGL ClinVar v180209 classification definitions. Collection method: clinical testing. Allele origin: germline. Observed: 1 variant allele, 1 heterozygote.

Dr. Peter K. Rogan Lab, Western University
No classification provided (evidence only). Condition: Thyroid cancer, nonmedullary, 1. Review status: no classification provided. Collection method: in vitro. Allele origin: not applicable. Functional consequence: retained intron. Not counted in ClinVar's aggregate classification.

NM_001193315.2(VIPAS39):c.171C>G (p.Val57=)

Gene: VIPAS39 (VPS33B interacting protein, apical-basolateral polarity regulator, spe-39 homolog; minus strand). Cytogenetic location: 14q24.3.
Variant type: single nucleotide variant.
Coding change: c.171C>G on transcript NM_001193315.2 (MANE Select); coding-DNA position 171, C replaced by G.
Protein change: p.Val57=; no amino-acid change (valine 57 retained).
Molecular consequence: synonymous variant.
Genome position (GRCh38, 1-based): chr14:77,453,324, G>C on the plus strand (C>G on the coding strand, the complement: VIPAS39 is on the minus strand). VCF-style: chr14-77453324-G-C. GRCh37 (hg19) VCF-style: chr14-77919667-G-C.
Other names: c.171C>G, p.Val57= (NM_001193314.2, NM_001193316.2, NM_001193317.2 and 1 more transcripts).
Identifiers: ClinVar variation 597174 (VCV000597174.17), dbSNP rs144120903, ClinGen allele CA7288190.